The following is an entry in ClinVar:

NC_012920.1(MT-TS1):m.7490A>G

Gene: MT-TS1 (mitochondrially encoded tRNA serine 1 (UCN); minus strand).
Variant type: single nucleotide variant.
Genome position: chrM-7490-A-G.
Identifiers: ClinVar variation 690032 (VCV000690032.1), dbSNP rs1603220984, ClinGen allele CA913177196.

ClinVar aggregate classification (germline): Benign (1 of 4 stars; one submission).

Conditions:
MELAS syndrome (MELAS). Also called: Juvenile myopathy, encephalopathy, lactic acidosis, stroke. Identifiers: Orphanet 550, MedGen C0162671, MONDO:0010789, OMIM 540000.

Submission:

Wong Mito Lab, Molecular and Human Genetics, Baylor College of Medicine
Classification: Benign for MELAS syndrome. Last evaluated: 2019-07-12. Review status: criteria provided, single submitter. Criteria: Modified ACMG Guidelines (Unpublished). Collection method: clinical testing. Allele origin: germline.
Comment: The NC_012920.1:m.7490A>G variant in MT-TS1 gene is interpreted to be a Benign variant based on the modified ACMG guidelines (unpublished). This variant meets the following evidence codes reported in the guidelines: BS1, BS2, BP4

Literature cited by the submitters: PubMed 31965079.